The following is an entry in ClinVar:

NM_032977.4(CASP10):c.215G>C (p.Ser72Thr)

Gene: CASP10 (caspase 10; plus strand). Cytogenetic location: 2q33.1.
Variant type: single nucleotide variant.
Coding change: c.215G>C on transcript NM_032977.4 (MANE Select); coding-DNA position 215, G replaced by C.
Protein change: p.Ser72Thr; replaces serine 72 with threonine.
Molecular consequence: missense variant.
Genome position (GRCh38, 1-based): chr2:201,185,992, G>C. VCF-style: chr2-201185992-G-C. GRCh37 (hg19) VCF-style: chr2-202050715-G-C.
Other names: c.215G>C, p.Ser72Thr (NM_001206524.2, NM_001206542.2, NM_001230.5 and 3 more transcripts); short protein forms S72T.
Identifiers: ClinVar variation 1345901 (VCV001345901.6), dbSNP rs2126005258, ClinGen allele CA350277830.

ClinVar aggregate classification (germline): Uncertain significance (1 of 4 stars; one submission).

Conditions:
Autoimmune lymphoproliferative syndrome type 2A (ALPS2A). Also called: AUTOIMMUNE LYMPHOPROLIFERATIVE SYNDROME, TYPE IIA; Autoimmune lymphoproliferative syndrome type 2; CASP10-Related Autoimmune Lymphoproliferative Syndrome. Identifiers: Orphanet 3261, MedGen C1858968, MONDO:0011383, OMIM 603909.

Submission:

Labcorp Genetics (formerly Invitae), Labcorp
Classification: Uncertain significance for Autoimmune lymphoproliferative syndrome type 2A. Last evaluated: 2021-08-08. Review status: criteria provided, single submitter. Criteria: Invitae Variant Classification Sherloc (09022015). Collection method: clinical testing. Allele origin: germline.
Comment: This sequence change replaces serine with threonine at codon 72 of the CASP10 protein (p.Ser72Thr). The serine residue is weakly conserved and there is a small physicochemical difference between serine and threonine. This variant is not present in population databases (ExAC no frequency). This variant has not been reported in the literature in individuals affected with CASP10-related conditions. Algorithms developed to predict the effect of missense changes on protein structure and function output the following: SIFT: "Tolerated"; PolyPhen-2: "Possibly Damaging"; Align-GVGD: "Class C0". The threonine amino acid residue is found in multiple mammalian species, which suggests that this missense change does not adversely affect protein function. In summary, the available evidence is currently insufficient to determine the role of this variant in disease. Therefore, it has been classified as a Variant of Uncertain Significance.